The following is an entry in ClinVar:

ClinVar aggregate classification (germline): Uncertain significance (1 of 4 stars; one submission).

Allele frequency attached by ClinVar (database versions not stated): gnomAD 0.00001 and 0.00002; gnomAD exomes 0.00001; ExAC 0.00002; TOPMed 0.00002; 1000 Genomes Project 30x 0.00016; 1000 Genomes Project 0.00020.

Submission:

Labcorp Genetics (formerly Invitae), Labcorp
Classification: Uncertain significance. Last evaluated: 2022-12-06. Review status: criteria provided, single submitter. Criteria: Invitae Variant Classification Sherloc (09022015). Collection method: clinical testing. Allele origin: germline.
Comment: In summary, the available evidence is currently insufficient to determine the role of this variant in disease. Therefore, it has been classified as a Variant of Uncertain Significance. ClinVar contains an entry for this variant (Variation ID: 1055097). Algorithms developed to predict the effect of missense changes on protein structure and function (SIFT, PolyPhen-2, Align-GVGD) all suggest that this variant is likely to be tolerated. This sequence change replaces proline, which is neutral and non-polar, with serine, which is neutral and polar, at codon 520 of the HSPG2 protein (p.Pro520Ser). This variant is present in population databases (rs183396386, gnomAD 0.007%). This variant has not been reported in the literature in individuals affected with HSPG2-related conditions.

NM_005529.7(HSPG2):c.1558C>T (p.Pro520Ser)

Gene: HSPG2 (heparan sulfate proteoglycan 2; minus strand). Cytogenetic location: 1p36.12.
Variant type: single nucleotide variant.
Coding change: c.1558C>T on transcript NM_005529.7 (MANE Select); coding-DNA position 1558, C replaced by T.
Protein change: p.Pro520Ser; replaces proline 520 with serine.
Molecular consequence: missense variant.
Genome position (GRCh38, 1-based): chr1:21,884,624, G>A on the plus strand (C>T on the coding strand, the complement: HSPG2 is on the minus strand). VCF-style: chr1-21884624-G-A. GRCh37 (hg19) VCF-style: chr1-22211117-G-A.
Other names: c.1561C>T, p.Pro521Ser (NM_001291860.2); short protein forms P520S, P521S.
Identifiers: ClinVar variation 1055097 (VCV001055097.9), dbSNP rs183396386, ClinGen allele CA673385.
Genomic context (GRCh38, chr1:21,884,624, plus strand): 5'-TCTGGTCCCGGAAGCGGCGGGTGCTCTGGCACACGCTGGTGATGCCAAAGCAGAAGCAGG[G>A]CAGGCAGGCGGCGCTGTGCTCCAGGTAGAAGTGGCCGTCAGGGCAGGGGCCTGCTGGGCG-3'
Protein context (NP_005520.4, residues 510-530): FYLEHSAACL[Pro520Ser]CFCFGITSVC